The following is an entry in ClinVar:

ClinVar aggregate classification (germline): Uncertain significance. Review status: criteria provided, multiple submitters, no conflicts (2 of 4 stars). 7 submissions from 5 submitters: Uncertain significance (7). Last evaluated 2025-12-29.

Conditions:
Cardiovascular phenotype. Identifiers: MedGen CN230736.
Hypertrophic cardiomyopathy 2. Also called: TNNT2-Related Familial Hypertrophic Cardiomyopathy. Identifiers: MedGen C1861864, MONDO:0007266, OMIM 115195.
Dilated cardiomyopathy 1D. Identifiers: Orphanet 154, Orphanet 54260, MedGen C1832243, MONDO:0011095, OMIM 601494.
Cardiomyopathy, familial restrictive, 3. Identifiers: Orphanet 75249, MedGen C2676271, MONDO:0012900, OMIM 612422.

Submissions (7):

Labcorp Genetics (formerly Invitae), Labcorp
Classification: Uncertain significance for Cardiomyopathy, familial restrictive, 3; Hypertrophic cardiomyopathy 2; Dilated cardiomyopathy 1D. Last evaluated: 2025-12-29. Review status: criteria provided, single submitter. Criteria: Invitae Variant Classification Sherloc (09022015). Collection method: clinical testing. Allele origin: germline.
Comment: This sequence change replaces tyrosine, which is neutral and polar, with cysteine, which is neutral and slightly polar, at codon 259 of the TNNT2 protein (p.Tyr259Cys). This variant is not present in population databases (gnomAD no frequency). This variant has not been reported in the literature in individuals affected with TNNT2-related conditions. ClinVar contains an entry for this variant (Variation ID: 450191). Invitae Evidence Modeling of protein sequence and biophysical properties (such as structural, functional, and spatial information, amino acid conservation, physicochemical variation, residue mobility, and thermodynamic stability) has been performed for this missense variant. However, the output from this modeling did not meet the statistical confidence thresholds required to predict the impact of this variant on TNNT2 protein function. In summary, the available evidence is currently insufficient to determine the role of this variant in disease. Therefore, it has been classified as a Variant of Uncertain Significance.

Genome-Nilou Lab
Classification: Uncertain significance for Dilated cardiomyopathy 1D. Last evaluated: 2023-04-11. Review status: criteria provided, single submitter. Criteria: ACMG Guidelines, 2015. Collection method: clinical testing. Allele origin: germline. Affected: no.

Genome-Nilou Lab
Classification: Uncertain significance for Cardiomyopathy, familial restrictive, 3. Last evaluated: 2023-04-11. Review status: criteria provided, single submitter. Criteria: ACMG Guidelines, 2015. Collection method: clinical testing. Allele origin: germline. Affected: no.

Genome-Nilou Lab
Classification: Uncertain significance for Hypertrophic cardiomyopathy 2. Last evaluated: 2023-04-11. Review status: criteria provided, single submitter. Criteria: ACMG Guidelines, 2015. Collection method: clinical testing. Allele origin: germline. Affected: no.

Ambry Genetics
Classification: Uncertain significance for Cardiovascular phenotype. Last evaluated: 2023-03-15. Review status: criteria provided, single submitter. Criteria: Ambry Variant Classification Scheme 2023. Collection method: clinical testing. Allele origin: germline.
Comment: The p.Y259C variant (also known as c.776A>G), located in coding exon 13 of the TNNT2 gene, results from an A to G substitution at nucleotide position 776. The tyrosine at codon 259 is replaced by cysteine, an amino acid with highly dissimilar properties. This amino acid position is highly conserved in available vertebrate species. In addition, this alteration is predicted to be deleterious by in silico analysis. Since supporting evidence is limited at this time, the clinical significance of this alteration remains unclear.

Fulgent Genetics
Classification: Uncertain significance for Hypertrophic cardiomyopathy 2; Dilated cardiomyopathy 1D; Cardiomyopathy, familial restrictive, 3. Last evaluated: 2021-10-05. Review status: criteria provided, single submitter. Criteria: ACMG Guidelines, 2015. Collection method: clinical testing. Allele origin: unknown.

GeneDx
Classification: Uncertain significance. Last evaluated: 2017-07-06. Review status: criteria provided, single submitter. Criteria: GeneDx Variant Classification (06012015). Collection method: clinical testing. Allele origin: germline. Affected: yes.
Comment: A variant of uncertain significance has been identified in the TNNT2 gene. The Y259C variant has not been published as pathogenic or been reported as benign to our knowledge. This variant is not observed in large population cohorts (Lek et al., 2016; 1000 Genomes Consortium et al., 2015; Exome Variant Server). The Y259C variant is a non-conservative amino acid substitution, which is likely to impact secondary protein structure as these residues differ in polarity, charge, size and/or other properties. This substitution occurs at a position that is conserved across species and in silico analysis predicts this variant is probably damaging to the protein structure/function. Finally, at least one splice prediction algorithm suggests that the Y259C variant may create a cryptic splice donor site at intron 14, which may lead to abnormal gene splicing. However, in the absence of functional mRNA studies, the physiological consequence of this variant cannot be precisely determined.

Literature cited by the submitters: PubMed 25351510 (cited by Ambry Genetics).

NM_001276345.2(TNNT2):c.806A>G (p.Tyr269Cys)

Gene: TNNT2 (troponin T2, cardiac type; minus strand). Cytogenetic location: 1q32.1.
Variant type: single nucleotide variant.
Coding change: c.806A>G on transcript NM_001276345.2 (MANE Select); coding-DNA position 806, A replaced by G.
Protein change: p.Tyr269Cys; replaces tyrosine 269 with cysteine.
Molecular consequence: missense variant.
Genome position (GRCh38, 1-based): chr1:201,361,283, T>C on the plus strand (A>G on the coding strand, the complement: TNNT2 is on the minus strand). VCF-style: chr1-201361283-T-C. GRCh37 (hg19) VCF-style: chr1-201330411-T-C.
Other names: c.797A>G, p.Tyr266Cys (NM_000364.4); c.776A>G, p.Tyr259Cys (NM_001001430.3, NM_001276347.2); c.767A>G, p.Tyr256Cys (NM_001001431.3); c.758A>G, p.Tyr253Cys (NM_001001432.3); c.677A>G, p.Tyr226Cys (NM_001276346.2); short protein forms Y259C, Y266C, Y256C, Y253C, Y226C, Y269C.
Identifiers: ClinVar variation 450191 (VCV000450191.14), dbSNP rs1553280112, ClinGen allele CA088811.